The following is an entry in ClinVar:

ClinVar aggregate classification (germline): Likely benign (1 of 4 stars; one submission).

Submission:

GeneDx
Classification: Likely benign. Last evaluated: 2018-06-19. Review status: criteria provided, single submitter. Criteria: GeneDx Variant Classification (06012015). Collection method: clinical testing. Allele origin: germline. Affected: yes.
Comment: This variant is considered likely benign or benign based on one or more of the following criteria: it is a conservative change, it occurs at a poorly conserved position in the protein, it is predicted to be benign by multiple in silico algorithms, and/or has population frequency not consistent with disease.

NM_001909.5(CTSD):c.828-247_828-221del

Gene: CTSD (cathepsin D; minus strand). Cytogenetic location: 11p15.5.
Variant type: Deletion.
Coding change: c.828-247_828-221del on transcript NM_001909.5 (MANE Select); 247 bases into the intron before coding-DNA position 828 through 221 bases into the intron before coding-DNA position 828, 27 bases deleted (TATGCCCCTCCATCCCCTCCATCCCTC).
Molecular consequence: intron variant.
Genome position (GRCh38, 1-based): chr11:1,754,359-1,754,385, GAGGGATGGAGGGGATGGAGGGGCATA deleted on the plus strand (TATGCCCCTCCATCCCCTCCATCCCTC on the coding strand, the reverse complement: CTSD is on the minus strand); deleting any 27 consecutive bases within chr11:1,754,359-1,754,408 gives the same sequence; the c. name uses the placement nearest the transcript's 3' end. VCF-style (leftmost placement, unchanged base first): chr11-1754358-GGAGGGATGGAGGGGATGGAGGGGCATA-G. GRCh37 (hg19) VCF-style: chr11-1775588-GGAGGGATGGAGGGGATGGAGGGGCATA-G.
Identifiers: ClinVar variation 671817 (VCV000671817.1), dbSNP rs1219998189, ClinGen allele CA597064695.
Genomic context (GRCh38, chr11:1,754,358, plus strand): 5'-GGAGAGGAGACACAGAGTGGTAGAGGGGGTGGGAGACCCTCAGGTGGTGGTGAGGGGCAT[GGAGGGATGGAGGGGATGGAGGGGCATA>G]GAGGGATGGAGGGGATGGAGGGGATGAAGGGATGGAGGGGCATGGAGGGATGGAGGGATG-3'